The following is an entry in ClinVar:

NM_021098.3(CACNA1H):c.1260G>A (p.Thr420=)

Gene: CACNA1H (calcium voltage-gated channel subunit alpha1 H; plus strand). Cytogenetic location: 16p13.3.
Variant type: single nucleotide variant.
Coding change: c.1260G>A on transcript NM_021098.3 (MANE Select); coding-DNA position 1260, G replaced by A.
Protein change: p.Thr420=; no amino-acid change (threonine 420 retained).
Molecular consequence: synonymous variant.
Genome position (GRCh38, 1-based): chr16:1,201,710, G>A. VCF-style: chr16-1201710-G-A. GRCh37 (hg19) VCF-style: chr16-1251710-G-A.
Other names: c.1260G>A (NM_021098.2); c.1260G>A, p.Thr420= (NM_001005407.2).
Identifiers: ClinVar variation 1083821 (VCV001083821.11), dbSNP rs58198225, ClinGen allele CA7799894.

ClinVar aggregate classification (germline): Likely benign. Review status: criteria provided, multiple submitters, no conflicts (2 of 4 stars). 3 submissions from 3 submitters: Likely benign (2). 1 of the submissions does not count toward it. Last evaluated 2024-02-24.

Conditions:
Idiopathic generalized epilepsy. Also called: Generalised epilepsy; EIG. Identifiers: MedGen C0270850, MONDO:0005579, OMIM 600669.
Hyperaldosteronism, familial, type IV (HALD4). Also called: FH IV; ALDOSTERONISM, PRIMARY, AND HYPERTENSION. Identifiers: Orphanet 642671, MedGen C4310756, MONDO:0014875, OMIM 617027.
Epilepsy, childhood absence, susceptibility to, 6. Identifiers: Orphanet 64280, MedGen C2749872, MONDO:0012763, OMIM 611942.
CACNA1H-related disorder.

gnomAD v4.1: 50 of 1,609,250 alleles (0.0031%); highest among the groups gnomAD compares: Admixed American, 0.005%; 1 homozygote.

Submissions (3):

Labcorp Genetics (formerly Invitae), Labcorp
Classification: Likely benign for Idiopathic generalized epilepsy; Hyperaldosteronism, familial, type IV. Last evaluated: 2024-02-24. Review status: criteria provided, single submitter. Criteria: Invitae Variant Classification Sherloc (09022015). Collection method: clinical testing. Allele origin: germline.

Fulgent Genetics
Classification: Likely benign for Epilepsy, childhood absence, susceptibility to, 6; Hyperaldosteronism, familial, type IV. Last evaluated: 2022-04-12. Review status: criteria provided, single submitter. Criteria: ACMG Guidelines, 2015. Collection method: clinical testing. Allele origin: unknown.

PreventionGenetics, part of Exact Sciences
Classification: Likely benign for CACNA1H-related condition. Last evaluated: 2024-08-29. Review status: no assertion criteria provided. Collection method: clinical testing. Allele origin: germline. Not counted in ClinVar's aggregate classification.
Comment: This variant is classified as likely benign based on ACMG/AMP sequence variant interpretation guidelines (Richards et al. 2015 PMID: 25741868, with internal and published modifications).